The following is an entry in ClinVar:

NM_020297.4(ABCC9):c.696C>G (p.Asn232Lys)

Gene: ABCC9 (ATP binding cassette subfamily C member 9; minus strand). Cytogenetic location: 12p12.1.
Variant type: single nucleotide variant.
Coding change: c.696C>G on transcript NM_020297.4 (MANE Select); coding-DNA position 696, C replaced by G.
Protein change: p.Asn232Lys; replaces asparagine 232 with lysine.
Molecular consequence: missense variant. On other transcripts: intron variant (1).
Genome position (GRCh38, 1-based): chr12:21,915,788, G>C on the plus strand (C>G on the coding strand, the complement: ABCC9 is on the minus strand). VCF-style: chr12-21915788-G-C. GRCh37 (hg19) VCF-style: chr12-22068722-G-C.
Other names: c.-48-2722C>G (NM_001377274.1); c.696C>G, p.Asn232Lys (NM_001377273.1, NM_005691.4); short protein forms N232K.
Identifiers: ClinVar variation 3718633 (VCV003718633.2).

ClinVar aggregate classification (germline): Uncertain significance (1 of 4 stars; one submission).

Conditions:
Dilated cardiomyopathy 1O (CMD1O). Also called: CARDIOMYOPATHY, DILATED, WITH VENTRICULAR TACHYCARDIA. Identifiers: Orphanet 154, MedGen C1837839, MONDO:0012062, OMIM 608569.

Submission:

Labcorp Genetics (formerly Invitae), Labcorp
Classification: Uncertain significance for Dilated cardiomyopathy 1O. Last evaluated: 2024-11-26. Review status: criteria provided, single submitter. Criteria: Invitae Variant Classification Sherloc (09022015). Collection method: clinical testing. Allele origin: germline.
Comment: This sequence change replaces asparagine, which is neutral and polar, with lysine, which is basic and polar, at codon 232 of the ABCC9 protein (p.Asn232Lys). This variant is not present in population databases (gnomAD no frequency). This variant has not been reported in the literature in individuals affected with ABCC9-related conditions. Invitae Evidence Modeling of protein sequence and biophysical properties (such as structural, functional, and spatial information, amino acid conservation, physicochemical variation, residue mobility, and thermodynamic stability) indicates that this missense variant is expected to disrupt ABCC9 protein function with a positive predictive value of 80%. In summary, the available evidence is currently insufficient to determine the role of this variant in disease. Therefore, it has been classified as a Variant of Uncertain Significance.